The following is an entry in ClinVar:

ClinVar aggregate classification (germline): Uncertain significance. Review status: criteria provided, multiple submitters, no conflicts (2 of 4 stars). 2 submissions from 2 submitters: Uncertain significance (2). Last evaluated 2025-12-01.

Conditions:
Progressive familial heart block type IB (PFHB1B). Identifiers: Orphanet 871, MedGen C1970298, MONDO:0011474, OMIM 604559.
Cardiovascular phenotype. Identifiers: MedGen CN230736.

Allele frequency attached by ClinVar (database versions not stated): ExAC 0.00001; gnomAD exomes 0.00001.
gnomAD v4.1: 3 of 1,613,642 alleles (0.00019%); highest among the groups gnomAD compares: African/African-American, 0.0013%; no homozygotes.

Submissions (2):

Ambry Genetics
Classification: Uncertain significance for Cardiovascular phenotype. Last evaluated: 2025-12-01. Review status: criteria provided, single submitter. Criteria: Ambry Variant Classification Scheme 2023. Collection method: clinical testing. Allele origin: germline.
Comment: The p.F233L variant (also known as c.697T>C), located in coding exon 6 of the TRPM4 gene, results from a T to C substitution at nucleotide position 697. The phenylalanine at codon 233 is replaced by leucine, an amino acid with highly similar properties. This amino acid position is conserved. In addition, this alteration is predicted to be tolerated by in silico analysis. Since supporting evidence is limited at this time, the clinical significance of this alteration remains unclear.

Labcorp Genetics (formerly Invitae), Labcorp
Classification: Uncertain significance for Progressive familial heart block type IB. Last evaluated: 2021-08-23. Review status: criteria provided, single submitter. Criteria: Invitae Variant Classification Sherloc (09022015). Collection method: clinical testing. Allele origin: germline.
Comment: This sequence change replaces phenylalanine with leucine at codon 233 of the TRPM4 protein (p.Phe233Leu). The phenylalanine residue is moderately conserved and there is a small physicochemical difference between phenylalanine and leucine. This variant is present in population databases (rs770448797, ExAC 0.01%). This variant has not been reported in the literature in individuals affected with TRPM4-related conditions. Algorithms developed to predict the effect of missense changes on protein structure and function output the following: SIFT: "Tolerated"; PolyPhen-2: "Benign"; Align-GVGD: "Class C0". The leucine amino acid residue is found in multiple mammalian species, which suggests that this missense change does not adversely affect protein function. In summary, the available evidence is currently insufficient to determine the role of this variant in disease. Therefore, it has been classified as a Variant of Uncertain Significance.

NM_017636.4(TRPM4):c.697T>C (p.Phe233Leu)

Gene: TRPM4 (transient receptor potential cation channel subfamily M member 4; plus strand). Cytogenetic location: 19q13.33.
Variant type: single nucleotide variant.
Coding change: c.697T>C on transcript NM_017636.4 (MANE Select); coding-DNA position 697, T replaced by C.
Protein change: p.Phe233Leu; replaces phenylalanine 233 with leucine.
Molecular consequence: missense variant. On other transcripts: 5 prime UTR variant (2).
Genome position (GRCh38, 1-based): chr19:49,168,637, T>C. VCF-style: chr19-49168637-T-C. GRCh37 (hg19) VCF-style: chr19-49671894-T-C.
Other names: c.697T>C, p.Phe233Leu (NM_001195227.2); c.352T>C, p.Phe118Leu (NM_001321281.2); c.-857T>C (NM_001321282.2); c.175T>C, p.Phe59Leu (NM_001321283.2); c.-153T>C (NM_001321285.2); c.697T>C (NM_017636.3); short protein forms F59L, F118L, F233L.
Identifiers: ClinVar variation 1522596 (VCV001522596.8), dbSNP rs770448797, ClinGen allele CA9568912.
Genomic context (GRCh38, chr19:49,168,637, plus strand): 5'-TGGCGCGGTGACCCGGAGGACGGGGTCCAGTTTCCCCTGGACTACAACTACTCGGCCTTC[T>C]TCCTGGTGGACGACGGCACACACGGCTGCCTGGGGGGCGAGAACCGCTTCCGCTTGCGCC-3'
Protein context (NP_060106.2, residues 223-243): FPLDYNYSAF[Phe233Leu]LVDDGTHGCL